The following is an entry in ClinVar:

ClinVar aggregate classification (germline): Likely benign (1 of 4 stars; one submission).

gnomAD v4.1: 1,834 of 1,612,056 alleles (0.11%); highest among the groups gnomAD compares: African/African-American, 2.2%; 26 homozygotes.

Submission:

Women's Health and Genetics/Laboratory Corporation of America, LabCorp
Classification: Likely benign. Last evaluated: 2026-06-03. Review status: criteria provided, single submitter. Criteria: LabCorp Variant Classification Summary - May 2015. Collection method: clinical testing. Allele origin: germline.
Comment: Variant summary: GINS3 c.158G>C (p.Gly53Ala) results in a non-conservative amino acid change in the encoded protein sequence. Algorithms developed to predict the effect of missense changes on protein structure and function are either unavailable or do not agree on the potential impact of this missense change. The variant allele was found at a frequency of 0.0017 in 243822 control chromosomes, predominantly at a frequency of 0.023 within the African or African-American subpopulation in the gnomAD database, including 6 homozygotes. The observed variant frequency within African or African-American control individuals in the gnomAD database exceeds the estimated maximal expected allele frequency for disease-causing variants in GINS3. To our knowledge, no occurrence of c.158G>C in individuals affected with GINS3-related conditions and no experimental evidence demonstrating its impact on protein function have been reported. No submitters have cited clinical-significance assessments for this variant to ClinVar. Based on the evidence outlined above, the variant was classified as likely benign.

NM_022770.4(GINS3):c.158G>C (p.Gly53Ala)

Gene: GINS3 (GINS complex subunit 3; plus strand). Cytogenetic location: 16q21.
Variant type: single nucleotide variant.
Coding change: c.158G>C on transcript NM_022770.4 (MANE Select); coding-DNA position 158, G replaced by C.
Protein change: p.Gly53Ala; replaces glycine 53 with alanine.
Molecular consequence: missense variant.
Genome position (GRCh38, 1-based): chr16:58,392,759, G>C. VCF-style: chr16-58392759-G-C. GRCh37 (hg19) VCF-style: chr16-58426663-G-C.
Other names: c.158G>C, p.Gly53Ala (NM_001126129.2, NM_001126130.2); short protein forms G53A.
Identifiers: ClinVar variation 4887545 (VCV004887545.1).